The following is an entry in ClinVar:

NM_000540.3(RYR1):c.14094G>C (p.Val4698=)

Gene: RYR1 (ryanodine receptor 1; plus strand). Cytogenetic location: 19q13.2.
Variant type: single nucleotide variant.
Coding change: c.14094G>C on transcript NM_000540.3 (MANE Select); coding-DNA position 14094, G replaced by C.
Protein change: p.Val4698=; no amino-acid change (valine 4698 retained).
Molecular consequence: synonymous variant.
Genome position (GRCh38, 1-based): chr19:38,573,272, G>C. VCF-style: chr19-38573272-G-C. GRCh37 (hg19) VCF-style: chr19-39063912-G-C.
Other names: c.14079G>C, p.Val4693= (NM_001042723.2).
Identifiers: ClinVar variation 3019574 (VCV003019574.4), dbSNP rs1973806722, ClinGen allele CA507245174.
Genomic context (GRCh38, chr19:38,573,272, plus strand): 5'-GGCCCGGAAGCTGGAGTTTGATGGCCTGTACATCACGGAGCAGCCTGAGGACGATGACGT[G>C]AAGGGGCAGTGGGACCGACTGGTGCTCAACACGCCGTAAGGACCCAGCCCCCACCTCAGG-3'
Protein context (NP_000531.2, residues 4688-4708): YITEQPEDDD[Val4698=]KGQWDRLVLN

ClinVar aggregate classification (germline): Likely benign. Review status: criteria provided, multiple submitters, no conflicts (2 of 4 stars). 2 submissions from 2 submitters: Likely benign (2). Last evaluated 2024-07-20.

Conditions:
Malignant hyperthermia, susceptibility to, 1 (MHS1). Also called: Anesthesia related hyperthermia; Malignant hyperpyrexia; Fulminating hyperpyrexia; Pharmacogenic myopathy; RYR1-Related Malignant Hyperthermia Susceptibility; Malignant hyperthermia suceptibility 1. Identifiers: Orphanet 423, MedGen C2930980, MONDO:0007783, OMIM 145600.
RYR1-related disorder. Also called: RYR1-related disorders; RYR1-related condition. Identifiers: MedGen CN239331.

Allele frequency attached by ClinVar (database versions not stated): TOPMed below 0.00001.

Submissions (2):

All of Us Research Program, National Institutes of Health
Classification: Likely benign for Malignant hyperthermia, susceptibility to, 1. Last evaluated: 2024-07-20. Review status: criteria provided, single submitter. Criteria: ACMG Guidelines, 2015. Collection method: clinical testing. Allele origin: germline. Inheritance: Autosomal dominant inheritance. Observed: 1 variant allele, 1 heterozygote.
Comment: This study involves interpretation of variants in research participants for the purpose of population health screening. Participant phenotype was not available at the time of variant classification. Additional details can be found in publication PMID: 35346344, PMCID: PMC8962531

Labcorp Genetics (formerly Invitae), Labcorp
Classification: Likely benign for RYR1-related disorder. Last evaluated: 2024-02-07. Review status: criteria provided, single submitter. Criteria: Invitae Variant Classification Sherloc (09022015). Collection method: clinical testing. Allele origin: germline.